The following is an entry in ClinVar:

NM_001292034.3(TAB2):c.1547_1551del (p.Arg516fs)

Genes: TAB2 (TGF-beta activated kinase 1 (MAP3K7) binding protein 2; plus strand), LOC126859827 (BRD4-independent group 4 enhancer GRCh37_chr6:149699707-149700906; plus strand). Cytogenetic location: 6q25.1.
Variant type: Deletion.
Coding change: c.1547_1551del on transcript NM_001292034.3 (MANE Select); coding-DNA positions 1547 to 1551, 5 bases deleted (GAATA; older notation c.1547_1551delGAATA).
Protein change: p.Arg516fs; shifts the reading frame from arginine 516.
Molecular consequence: frameshift variant.
Genome position (GRCh38, 1-based): chr6:149,379,462-149,379,466, GAATA deleted; deleting any 5 consecutive bases within chr6:149,379,459-149,379,466 gives the same sequence; the c. name uses the placement nearest the transcript's 3' end. VCF-style (leftmost placement, unchanged base first): chr6-149379458-GATAGA-G. GRCh37 (hg19) VCF-style: chr6-149700594-GATAGA-G.
Other names: c.1451_1455del, p.Arg484fs (NM_001292035.3); c.1547_1551del, p.Arg516fs (NM_001369506.1, NM_015093.6); short protein forms R484fs, R516fs.
Identifiers: ClinVar variation 2627254 (VCV002627254.1), dbSNP rs2483399171, ClinGen allele CA2582341714.

ClinVar aggregate classification (germline): Pathogenic (1 of 4 stars; one submission).

Conditions:
Congenital heart defects, multiple types, 2 (CHTD2). Also called: Congenital heart defects, nonsyndromic, 2. Identifiers: Orphanet 664401, MedGen C3554279, MONDO:0014000, OMIM 614980.

Submission:

Women's Health and Genetics/Laboratory Corporation of America, LabCorp
Classification: Pathogenic for Congenital heart defects, multiple types, 2. Last evaluated: 2023-09-15. Review status: criteria provided, single submitter. Criteria: LabCorp Variant Classification Summary - May 2015. Collection method: clinical testing. Allele origin: germline.
Comment: Variant summary: TAB2 c.1547_1551delGAATA (p.Arg516LysfsX2) results in a premature termination codon, predicted to cause a truncation of the encoded protein or absence of the protein due to nonsense mediated decay, which are commonly known mechanisms for disease. The variant was absent in 251266 control chromosomes (gnomAD). To our knowledge, no occurrence of c.1547_1551delGAATA in individuals affected with Congenital Heart Defects, Multiple Types, 2 and no experimental evidence demonstrating its impact on protein function have been reported. No submitters have cited clinical-significance assessments for this variant to ClinVar after 2014. Based on the evidence outlined above, the variant was classified as pathogenic.